The following is an entry in ClinVar:

ClinVar aggregate classification (germline): Uncertain significance (1 of 4 stars; one submission).

Submission:

GeneDx
Classification: Uncertain significance. Last evaluated: 2026-02-25. Review status: criteria provided, single submitter. Criteria: GeneDx Variant Classification Process June 2021. Collection method: clinical testing. Allele origin: germline.
Comment: Not observed at significant frequency in large population cohorts (gnomAD); In silico analysis supports that this missense variant has a deleterious effect on protein structure/function; Has not been previously published as pathogenic or benign to our knowledge

NM_006445.4(PRPF8):c.1700G>C (p.Gly567Ala)

Gene: PRPF8 (pre-mRNA processing factor 8; minus strand). Cytogenetic location: 17p13.3.
Variant type: single nucleotide variant.
Coding change: c.1700G>C on transcript NM_006445.4 (MANE Select); coding-DNA position 1700, G replaced by C.
Protein change: p.Gly567Ala; replaces glycine 567 with alanine.
Molecular consequence: missense variant.
Genome position (GRCh38, 1-based): chr17:1,678,781, C>G on the plus strand (G>C on the coding strand, the complement: PRPF8 is on the minus strand). VCF-style: chr17-1678781-C-G. GRCh37 (hg19) VCF-style: chr17-1582075-C-G.
Other names: short protein forms G567A.
Identifiers: ClinVar variation 5010042 (VCV005010042.1).